The following is an entry in ClinVar:

NM_153717.3(EVC):c.153_174+42del

Gene: EVC (EvC ciliary complex subunit 1; plus strand). Cytogenetic location: 4p16.2.
Variant type: Deletion.
Coding change: c.153_174+42del on transcript NM_153717.3 (MANE Select); coding-DNA position 153 through 42 bases into the intron after coding-DNA position 174, 64 bases deleted.
Molecular consequence: splice donor variant.
Genome position (GRCh38, 1-based): chr4:5,711,533-5,711,596, 64 bases deleted. GRCh37 (hg19): chr4:5,713,260-5,713,323.
Other names: c.153_174+42del (NM_001306090.2, NM_001306092.2).
Identifiers: ClinVar variation 940843 (VCV000940843.8), dbSNP rs1723019796, ClinGen allele CA1139658435.

ClinVar aggregate classification (germline): Likely pathogenic (1 of 4 stars; one submission).

Conditions:
Ellis-van Creveld syndrome (EVC). Also called: Chondroectodermal dysplasia; EVC-Related Ellis-van Creveld Syndrome; EVC2-Related Ellis-van Creveld Syndrome; MESOECTODERMAL DYSPLASIA. Identifiers: Orphanet 289, MedGen C0013903, MONDO:0009162, OMIM 225500.
Curry-Hall syndrome (WAD). Also called: WEYERS ACRODENTAL DYSOSTOSIS. Identifiers: Orphanet 952, MedGen C0457013, MONDO:0008673, OMIM 193530.

Submission:

Labcorp Genetics (formerly Invitae), Labcorp
Classification: Likely pathogenic for Curry-Hall syndrome; Ellis-van Creveld syndrome. Last evaluated: 2022-02-10. Review status: criteria provided, single submitter. Criteria: Invitae Variant Classification Sherloc (09022015). Collection method: clinical testing. Allele origin: germline.
Comment: ClinVar contains an entry for this variant (Variation ID: 940843). This variant has not been reported in the literature in individuals affected with EVC-related conditions. This variant is not present in population databases (gnomAD no frequency). This variant results in the deletion of part of exon 1 (c.153_174+42del) of the EVC gene. It is expected to disrupt RNA splicing. Variants that disrupt the donor or acceptor splice site typically lead to a loss of protein function (PMID: 16199547), and loss-of-function variants in EVC are known to be pathogenic (PMID: 23220543). In summary, the currently available evidence indicates that the variant is pathogenic, but additional data are needed to prove that conclusively. Therefore, this variant has been classified as Likely Pathogenic.

Literature cited by the submitters: PubMed 16199547; PubMed 23220543.